The following is an entry in ClinVar:

NM_017780.4(CHD7):c.2948G>A (p.Trp983Ter)

Gene: CHD7 (chromodomain helicase DNA binding protein 7; plus strand). Cytogenetic location: 8q12.2.
Variant type: single nucleotide variant.
Coding change: c.2948G>A on transcript NM_017780.4 (MANE Select); coding-DNA position 2948, G replaced by A.
Protein change: p.Trp983Ter; replaces tryptophan 983 with a stop codon.
Molecular consequence: nonsense. On other transcripts: intron variant (1).
Genome position (GRCh38, 1-based): chr8:60,822,136, G>A. VCF-style: chr8-60822136-G-A. GRCh37 (hg19) VCF-style: chr8-61734695-G-A.
Other names: c.1717-40093G>A (NM_001316690.1); short protein forms W983*.
Identifiers: ClinVar variation 2031623 (VCV002031623.4), dbSNP rs2487807791, ClinGen allele CA371308752.

ClinVar aggregate classification (germline): Pathogenic (1 of 4 stars; one submission).

Conditions:
CHARGE syndrome (CHARGE). Also called: Hittner Hirsch Kreh syndrome; CHARGE ASSOCIATION--COLOBOMA, HEART ANOMALY, CHOANAL ATRESIA, RETARDATION, GENITAL AND EAR ANOMALIES; Coloboma, heart anomaly, choanal atresia, retardation, genital and ear anomalies; CHARGE association; Hall-Hittner syndrome. Identifiers: Orphanet 138, MedGen C0265354, MONDO:0008965.

Submission:

Labcorp Genetics (formerly Invitae), Labcorp
Classification: Pathogenic for CHARGE syndrome. Last evaluated: 2022-09-21. Review status: criteria provided, single submitter. Criteria: Invitae Variant Classification Sherloc (09022015). Collection method: clinical testing. Allele origin: germline.
Comment: This sequence change creates a premature translational stop signal (p.Trp983*) in the CHD7 gene. It is expected to result in an absent or disrupted protein product. Loss-of-function variants in CHD7 are known to be pathogenic (PMID: 22461308, 25077900). This variant is not present in population databases (gnomAD no frequency). This variant has not been reported in the literature in individuals affected with CHD7-related conditions. Algorithms developed to predict the effect of sequence changes on RNA splicing suggest that this variant may disrupt the consensus splice site. For these reasons, this variant has been classified as Pathogenic.

Literature cited by the submitters: PubMed 22461308; PubMed 25077900.